The following is an entry in ClinVar:

NM_000059.4(BRCA2):c.3185C>G (p.Pro1062Arg)

Gene: BRCA2 (BRCA2 DNA repair associated; plus strand). Cytogenetic location: 13q13.1.
Variant type: single nucleotide variant.
Coding change: c.3185C>G on transcript NM_000059.4 (MANE Select); coding-DNA position 3185, C replaced by G.
Protein change: p.Pro1062Arg; replaces proline 1062 with arginine.
Molecular consequence: missense variant.
Genome position (GRCh38, 1-based): chr13:32,337,540, C>G. VCF-style: chr13-32337540-C-G. GRCh37 (hg19) VCF-style: chr13-32911677-C-G.
Other names: short protein forms P1062R.
Identifiers: ClinVar variation 632712 (VCV000632712.15), dbSNP rs564316199, ClinGen allele CA387775838.

ClinVar aggregate classification (germline): Conflicting classifications of pathogenicity. Review status: criteria provided, conflicting classifications (1 of 4 stars). 5 submissions from 5 submitters: Uncertain significance (4); Likely benign (1). Last evaluated 2025-03-04.

Conditions:
Hereditary cancer-predisposing syndrome. Also called: Tumor predisposition; Neoplastic Syndromes, Hereditary; Hereditary neoplastic syndrome; Hereditary Cancer Syndrome. Identifiers: Orphanet 140162, MedGen C0027672, MeSH D009386, MONDO:0015356.
Hereditary breast ovarian cancer syndrome. Also called: Hereditary breast and ovarian cancer; Hereditary breast and ovarian cancer syndrome (HBOC); Breast and ovarian cancer; Hereditary breast and ovarian cancer syndrome; BRCA1- and BRCA2-Associated Hereditary Breast and Ovarian Cancer; Hereditary breast and/or ovarian cancer syndrome. Identifiers: Orphanet 145, MedGen C0677776, MeSH D061325, MONDO:0003582. Disease mechanism: loss of function.

Submissions (5):

Ambry Genetics
Classification: Uncertain significance for Hereditary cancer-predisposing syndrome. Last evaluated: 2025-03-04. Review status: criteria provided, single submitter. Criteria: Ambry Variant Classification Scheme 2023. Collection method: clinical testing. Allele origin: germline.
Comment: The p.P1062R variant (also known as c.3185C>G), located in coding exon 10 of the BRCA2 gene, results from a C to G substitution at nucleotide position 3185. The proline at codon 1062 is replaced by arginine, an amino acid with dissimilar properties. This amino acid position is conserved. In addition, this alteration is predicted to be tolerated by in silico analysis. Since supporting evidence is limited at this time, the clinical significance of this alteration remains unclear.

Labcorp Genetics (formerly Invitae), Labcorp
Classification: Uncertain significance for Hereditary breast ovarian cancer syndrome. Last evaluated: 2025-02-10. Review status: criteria provided, single submitter. Criteria: Invitae Variant Classification Sherloc (09022015). Collection method: clinical testing. Allele origin: germline.
Comment: This sequence change replaces proline, which is neutral and non-polar, with arginine, which is basic and polar, at codon 1062 of the BRCA2 protein (p.Pro1062Arg). This variant is not present in population databases (gnomAD no frequency). This variant has not been reported in the literature in individuals affected with BRCA2-related conditions. ClinVar contains an entry for this variant (Variation ID: 632712). Invitae Evidence Modeling of protein sequence and biophysical properties (such as structural, functional, and spatial information, amino acid conservation, physicochemical variation, residue mobility, and thermodynamic stability) indicates that this missense variant is not expected to disrupt BRCA2 protein function with a negative predictive value of 95%. In summary, the available evidence is currently insufficient to determine the role of this variant in disease. Therefore, it has been classified as a Variant of Uncertain Significance.

University of Washington Department of Laboratory Medicine, University of Washington
Classification: Likely benign for Hereditary cancer-predisposing syndrome. Last evaluated: 2023-03-23. Review status: criteria provided, single submitter. Criteria: Dines et al. (Genet Med. 2020). Collection method: curation. Allele origin: germline.
Comment: Missense variant in a coldspot region where missense variants are very unlikely to be pathogenic (PMID:31911673).

BRCA2 exon 11 coldspot. Reclassification based on statistical prior probability.

Quest Diagnostics Nichols Institute San Juan Capistrano
Classification: Uncertain significance. Last evaluated: 2021-01-14. Review status: criteria provided, single submitter. Criteria: Quest Diagnostics criteria. Collection method: clinical testing. Allele origin: unknown.

Women's Health and Genetics/Laboratory Corporation of America, LabCorp
Classification: Uncertain significance. Last evaluated: 2018-08-31. Review status: criteria provided, single submitter. Criteria: LabCorp Variant Classification Summary - May 2015. Collection method: clinical testing. Allele origin: germline.
Comment: Variant summary: BRCA2 c.3185C>G (p.Pro1062Arg) results in a non-conservative amino acid change in the encoded protein sequence. Three of five in-silico tools predict a damaging effect of the variant on protein function. The variant was absent in 242048 control chromosomes (gnomAD). The available data on variant occurrences in the general population are insufficient to allow any conclusion about variant significance. To our knowledge, no occurrence of c.3185C>G in individuals affected with Hereditary Breast and Ovarian Cancer and no experimental evidence demonstrating its impact on protein function have been reported. No clinical diagnostic laboratories have submitted clinical-significance assessments for this variant to ClinVar after 2014. Based on the evidence outlined above, the variant was classified as uncertain significance.